The following is an entry in ClinVar:

NM_000969.5(RPL5):c.4-10T>A

Genes: DIPK1A (divergent protein kinase domain 1A; minus strand), RPL5 (ribosomal protein L5; plus strand). Cytogenetic location: 1p22.1.
Variant type: single nucleotide variant.
Coding change: c.4-10T>A on transcript NM_000969.5 (MANE Select); 10 bases into the intron before coding-DNA position 4, T replaced by A.
Molecular consequence: intron variant.
Genome position (GRCh38, 1-based): chr1:92,833,379, T>A. VCF-style: chr1-92833379-T-A. GRCh37 (hg19) VCF-style: chr1-93298936-T-A.
Other names: c.475-345A>T (NM_001252273.2).
Identifiers: ClinVar variation 1066757 (VCV001066757.47), dbSNP rs1686989669, ClinGen allele CA2499214871.

ClinVar aggregate classification (germline): Likely pathogenic (1 of 4 stars; one submission).

Conditions:
Diamond-Blackfan anemia. Also called: Blackfan Diamond syndrome; Aregenerative anemia chronic congenital; Red cell aplasia, pure hereditary; Congenital hypoplastic anemia; Aase syndrome. Identifiers: Orphanet 124, MedGen C1260899, MeSH D029503, MONDO:0015253, HP:0004810.

Submission:

Labcorp Genetics (formerly Invitae), Labcorp
Classification: Likely pathogenic for Diamond-Blackfan anemia. Last evaluated: 2020-05-20. Review status: criteria provided, single submitter. Criteria: Invitae Variant Classification Sherloc (09022015). Collection method: clinical testing. Allele origin: germline.
Comment: In summary, the currently available evidence indicates that the variant is pathogenic, but additional data are needed to prove that conclusively. Therefore, this variant has been classified as Likely Pathogenic. Algorithms developed to predict the effect of sequence changes on RNA splicing suggest that this variant may disrupt the consensus splice site, but this prediction has not been confirmed by published transcriptional studies. This variant has been observed in individual(s) with RPL5-related Diamond-Blackfan anemia (Invitae). In at least one individual the variant was observed to be de novo. This variant is not present in population databases (ExAC no frequency). This sequence change falls in intron 1 of the RPL5 gene. It does not directly change the encoded amino acid sequence of the RPL5 protein.